The following is an entry in ClinVar:

ClinVar aggregate classification (germline): Uncertain significance (1 of 4 stars; one submission).

Conditions:
Progressive familial intrahepatic cholestasis type 2. Identifiers: Orphanet 79304, MedGen C3489789, MONDO:0011156, OMIM 601847.

Submission:

3billion
Classification: Uncertain significance for Progressive familial intrahepatic cholestasis type 2. Last evaluated: 2024-09-13. Review status: criteria provided, single submitter. Criteria: ACMG Guidelines, 2015. Collection method: clinical testing. Allele origin: germline. Affected: yes.
Comment: The variant is not observed in the gnomAD v4.0.0 dataset. Predicted Consequence/Location: Missense variant Damaging effect on gene or gene product predicted by in silico programs is uncertain [REVEL: 0.41 (damaging >=0.6, benign <0.4), 3Cnet: 0.20 (damaging >=0.6, benign <0.15)]. Therefore, this variant is classified as VUS according to the recommendation of ACMG/AMP guideline.

NM_003742.4(ABCB11):c.1340C>T (p.Pro447Leu)

Gene: ABCB11 (ATP binding cassette subfamily B member 11; minus strand). Cytogenetic location: 2q31.1.
Variant type: single nucleotide variant.
Coding change: c.1340C>T on transcript NM_003742.4 (MANE Select); coding-DNA position 1340, C replaced by T.
Protein change: p.Pro447Leu; replaces proline 447 with leucine.
Molecular consequence: missense variant.
Genome position (GRCh38, 1-based): chr2:168,973,809, G>A on the plus strand (C>T on the coding strand, the complement: ABCB11 is on the minus strand). VCF-style: chr2-168973809-G-A. GRCh37 (hg19) VCF-style: chr2-169830319-G-A.
Other names: short protein forms P447L.
Identifiers: ClinVar variation 4293639 (VCV004293639.1).